The following is an entry in ClinVar:

ClinVar aggregate classification (germline): Pathogenic/Likely pathogenic. Review status: criteria provided, multiple submitters, no conflicts (2 of 4 stars). 3 submissions from 3 submitters: Pathogenic (2); Likely pathogenic (1). Last evaluated 2024-03-16.

Conditions:
Polycystic kidney disease 2 (PKD2). Also called: Polycystic Kidney Disease 2, Autosomal Dominant; POLYCYSTIC KIDNEY DISEASE, ADULT, TYPE II; POLYCYSTIC KIDNEY DISEASE 2 WITH OR WITHOUT POLYCYSTIC LIVER DISEASE. Identifiers: MedGen C2751306, MONDO:0013131, OMIM 613095.
Autosomal dominant polycystic kidney disease. Identifiers: Orphanet 730, MedGen C0085413, MONDO:0004691.

Submissions (3):

Labcorp Genetics (formerly Invitae), Labcorp
Classification: Pathogenic for Autosomal dominant polycystic kidney disease. Last evaluated: 2024-03-16. Review status: criteria provided, single submitter. Criteria: Invitae Variant Classification Sherloc (09022015). Collection method: clinical testing. Allele origin: germline.
Comment: This sequence change creates a premature translational stop signal (p.Leu231Serfs*2) in the PKD2 gene. It is expected to result in an absent or disrupted protein product. Loss-of-function variants in PKD2 are known to be pathogenic (PMID: 17582161, 22863349). This variant is not present in population databases (gnomAD no frequency). This variant has not been reported in the literature in individuals affected with PKD2-related conditions. ClinVar contains an entry for this variant (Variation ID: 1705707). For these reasons, this variant has been classified as Pathogenic.

Fulgent Genetics
Classification: Pathogenic for Polycystic kidney disease 2. Last evaluated: 2024-02-15. Review status: criteria provided, single submitter. Criteria: ACMG Guidelines, 2015. Collection method: clinical testing. Allele origin: germline.

3billion
Classification: Likely pathogenic for Polycystic kidney disease 2. Last evaluated: 2022-09-01. Review status: criteria provided, single submitter. Criteria: ACMG Guidelines, 2015. Collection method: clinical testing. Allele origin: germline. Affected: yes. Observed: 1 heterozygote.
Comment: The variant is not observed in the gnomAD v2.1.1 dataset. Frameshift variant is predicted to result in a loss or disruption of normal protein function through nonsense-mediated decay (NMD) or protein truncation. Multiple pathogenic variants are reported downstream of the variant. Therefore, this variant is classified as Likely pathogenic according to the recommendation of ACMG/AMP guideline.

Literature cited by the submitters: PubMed 17582161 (cited by Labcorp Genetics (formerly Invitae), Labcorp); PubMed 22863349 (cited by Labcorp Genetics (formerly Invitae), Labcorp).

NM_000297.4(PKD2):c.690del (p.Leu231fs)

Gene: PKD2 (polycystin 2, transient receptor potential cation channel; plus strand). Cytogenetic location: 4q22.1.
Variant type: Deletion.
Coding change: c.690del on transcript NM_000297.4 (MANE Select); coding-DNA position 690, one base deleted (T; older notation c.690delT).
Protein change: p.Leu231fs; shifts the reading frame from leucine 231.
Molecular consequence: frameshift variant. On other transcripts: non-coding transcript variant (1).
Genome position (GRCh38, 1-based): chr4:88,019,552, T deleted; the last of 5 consecutive T bases (chr4:88,019,548-88,019,552); deleting any one gives the same sequence. VCF-style (leftmost placement, unchanged base first): chr4-88019547-CT-C. GRCh37 (hg19) VCF-style: chr4-88940699-CT-C.
Other names: short protein forms L231fs.
Identifiers: ClinVar variation 1705707 (VCV001705707.4), dbSNP rs2475869442, ClinGen allele CA2578140487.
Genomic context (GRCh38, chr4:88,019,547, plus strand): 5'-AGCAGCACTAACCGAGAGAAATACCTTAAAAGTGTTTTACGGGAACTGGTCACATACCTC[CT>C]TTTTCTCATAGTCTTGTGCATCTGTAAGTAGAATATTTCCTTGCACTAATGGGAAAGTTT-3'